The following is an entry in ClinVar:

NM_000179.3(MSH6):c.3610G>A (p.Ala1204Thr)

Gene: MSH6 (mutS homolog 6; plus strand). Cytogenetic location: 2p16.3.
Variant type: single nucleotide variant.
Coding change: c.3610G>A on transcript NM_000179.3 (MANE Select); coding-DNA position 3610, G replaced by A.
Protein change: p.Ala1204Thr; replaces alanine 1204 with threonine.
Molecular consequence: missense variant.
Genome position (GRCh38, 1-based): chr2:47,805,671, G>A. VCF-style: chr2-47805671-G-A. GRCh37 (hg19) VCF-style: chr2-48032810-G-A.
Other names: c.3220G>A, p.Ala1074Thr (NM_001281492.2); c.2704G>A, p.Ala902Thr (NM_001281493.2, NM_001281494.2); short protein forms A1204T, A1074T, A902T.
Identifiers: ClinVar variation 224583 (VCV000224583.20), dbSNP rs869312799, ClinGen allele CA357797.

ClinVar aggregate classification (germline): Uncertain significance. Review status: criteria provided, multiple submitters, no conflicts (2 of 4 stars). 6 submissions from 6 submitters: Uncertain significance (5). 1 of the submissions does not count toward it. Last evaluated 2025-06-03.

Conditions:
Hereditary cancer-predisposing syndrome. Also called: Tumor predisposition; Hereditary neoplastic syndrome; Neoplastic Syndromes, Hereditary; Hereditary Cancer Syndrome. Identifiers: Orphanet 140162, MedGen C0027672, MeSH D009386, MONDO:0015356.
Lynch syndrome. Identifiers: Orphanet 144, MedGen C4552100, MONDO:0005835. Disease mechanism: loss of function.
Lynch syndrome 5 (LYNCH5). Also called: Colorectal cancer, hereditary nonpolyposis, type 5; Hereditary non-polyposis colorectal cancer, type 5. Identifiers: Orphanet 144, MedGen C1833477, MONDO:0013710, OMIM 614350. Disease mechanism: loss of function.
Hereditary nonpolyposis colorectal neoplasms. Identifiers: MedGen C0009405, MeSH D003123.

Allele frequency attached by ClinVar (database versions not stated): gnomAD exomes below 0.00001.
gnomAD v4.1: 2 of 1,613,412 alleles (0.00012%); highest among the groups gnomAD compares: Non-Finnish European, 0.000085%; no homozygotes.

Submissions (6):

Labcorp Genetics (formerly Invitae), Labcorp
Classification: Uncertain significance for Hereditary nonpolyposis colorectal neoplasms. Last evaluated: 2025-06-03. Review status: criteria provided, single submitter. Criteria: Invitae Variant Classification Sherloc (09022015). Collection method: clinical testing. Allele origin: germline.
Comment: This sequence change replaces alanine, which is neutral and non-polar, with threonine, which is neutral and polar, at codon 1204 of the MSH6 protein (p.Ala1204Thr). This variant is not present in population databases (gnomAD no frequency). This missense change has been observed in individual(s) with ovarian cancer (PMID: 26845104). ClinVar contains an entry for this variant (Variation ID: 224583). Invitae Evidence Modeling of protein sequence and biophysical properties (such as structural, functional, and spatial information, amino acid conservation, physicochemical variation, residue mobility, and thermodynamic stability) has been performed for this missense variant. However, the output from this modeling did not meet the statistical confidence thresholds required to predict the impact of this variant on MSH6 protein function. In summary, the available evidence is currently insufficient to determine the role of this variant in disease. Therefore, it has been classified as a Variant of Uncertain Significance.

Ambry Genetics
Classification: Uncertain significance for Hereditary cancer-predisposing syndrome. Last evaluated: 2024-09-19. Review status: criteria provided, single submitter. Criteria: Ambry Variant Classification Scheme 2023. Collection method: clinical testing. Allele origin: germline.
Comment: The p.A1204T variant (also known as c.3610G>A), located in coding exon 7 of the MSH6 gene, results from a G to A substitution at nucleotide position 3610. The alanine at codon 1204 is replaced by threonine, an amino acid with similar properties. This alteration was detected in an individual with fallopian tube cancer that had intact staining for the mismatch repair genes by immunohistochemistry (IHC) (Shirts BH et al. Genet Med, 2016 10;18:974-81). This amino acid position is highly conserved in available vertebrate species. In addition, this alteration is predicted to be deleterious by in silico analysis. Since supporting evidence is limited at this time, the clinical significance of this alteration remains unclear.

GeneDx
Classification: Uncertain significance. Last evaluated: 2023-06-01. Review status: criteria provided, single submitter. Criteria: GeneDx Variant Classification Process June 2021. Collection method: clinical testing. Allele origin: germline. Affected: yes.
Comment: Not observed at significant frequency in large population cohorts (gnomAD); In silico analysis supports that this missense variant has a deleterious effect on protein structure/function; Observed in an individual with fallopian tube cancer whose tumor displayed normal mismatch repair immunohistochemistry (Shirts et al., 2016); This variant is associated with the following publications: (PMID: 30761385, 17531815, 21120944, 26845104)

Myriad Genetics, Inc.
Classification: Uncertain significance for Lynch syndrome 5. Last evaluated: 2023-03-27. Review status: criteria provided, single submitter. Criteria: Myriad Autosomal Dominant, Autosomal Recessive and X-Linked Classification Criteria (2023). Collection method: clinical testing. Allele origin: unknown.
Comment: This variant is classified as a variant of uncertain significance as there is insufficient evidence to determine its impact on protein function and/or cancer risk.

University of Washington Department of Laboratory Medicine, University of Washington
Classification: Uncertain significance for Hereditary nonpolyposis colon cancer. Last evaluated: 2015-11-20. Review status: criteria provided, single submitter. Criteria: Shirts et al. (Genet Med 2016). Collection method: clinical testing. Allele origin: germline. Affected: yes. Observed: 1 variant allele.

Counsyl
Classification: Uncertain significance for Lynch syndrome 5. Last evaluated: 2018-06-07. Review status: no assertion criteria provided. Collection method: clinical testing. Allele origin: unknown. Not counted in ClinVar's aggregate classification.

Literature cited by the submitters: PubMed 26845104 (cited by 3 submitters).